The following is an entry in ClinVar:

NM_002971.6(SATB1):c.1597C>T (p.Arg533Cys)

Gene: SATB1 (SATB homeobox 1; minus strand). Cytogenetic location: 3p24.3.
Variant type: single nucleotide variant.
Coding change: c.1597C>T on transcript NM_002971.6 (MANE Select); coding-DNA position 1597, C replaced by T.
Protein change: p.Arg533Cys; replaces arginine 533 with cysteine.
Molecular consequence: missense variant.
Genome position (GRCh38, 1-based): chr3:18,352,174, G>A on the plus strand (C>T on the coding strand, the complement: SATB1 is on the minus strand). VCF-style: chr3-18352174-G-A. GRCh37 (hg19) VCF-style: chr3-18393666-G-A.
Other names: c.1597C>T, p.Arg533Cys (NM_001131010.4, NM_001195470.3, NM_001322871.2 and 4 more transcripts); c.1381C>T, p.Arg461Cys (NM_001322876.2); short protein forms R461C, R533C.
Identifiers: ClinVar variation 3376133 (VCV003376133.3).

ClinVar aggregate classification (germline): Likely pathogenic (1 of 4 stars; one submission).

Conditions:
Developmental delay with dysmorphic facies and dental anomalies. Identifiers: MedGen C5543197, MONDO:0030988, OMIM 619228.

Submission:

Institute of Human Genetics, University of Leipzig Medical Center
Classification: Likely pathogenic for Developmental delay with dysmorphic facies and dental anomalies. Last evaluated: 2024-10-07. Review status: criteria provided, single submitter. Criteria: ACMG Guidelines, 2015. Collection method: clinical testing. Allele origin: unknown. Inheritance: Autosomal dominant inheritance. Affected: yes.
Comment: Criteria applied: PM1,PM2,PP2,PP3